The following is an entry in ClinVar:

ClinVar aggregate classification (germline): Uncertain significance. Review status: criteria provided, multiple submitters, no conflicts (2 of 4 stars). 3 submissions from 3 submitters: Uncertain significance (3). Last evaluated 2025-03-13.

Conditions:
Cardiovascular phenotype. Identifiers: MedGen CN230736.
Cardiomyopathy (CMYO). Also called: Cardiomyopathies. Identifiers: Orphanet 167848, MedGen C0878544, MONDO:0004994, HP:0001638. Inheritance: Various modes of inheritance.

Allele frequency attached by ClinVar (database versions not stated): gnomAD below 0.00001 and 0.00001; gnomAD exomes 0.00001.

Submissions (3):

Ambry Genetics
Classification: Uncertain significance for Cardiovascular phenotype. Last evaluated: 2025-03-13. Review status: criteria provided, single submitter. Criteria: Ambry Variant Classification Scheme 2023. Collection method: clinical testing. Allele origin: germline.
Comment: The c.-3G>A variant is located in the 5' untranslated region (5&rsquo; UTR) of the DSG2 gene. This variant results from a G to A substitution 3 bases upstream from the first translated codon. This nucleotide position is highly conserved in available vertebrate species. Based on the available evidence, the clinical significance of this variant remains unclear.

Color Diagnostics, LLC DBA Color Health
Classification: Uncertain significance for Cardiomyopathy. Last evaluated: 2024-12-11. Review status: criteria provided, single submitter. Criteria: ACMG Guidelines, 2015. Collection method: clinical testing. Allele origin: germline.
Comment: This variant changes a G nucleotide to A in the 5' untranslated region of the DSG2 gene. To our knowledge, functional studies have not been reported for this variant. This variant has not been reported in individuals affected with cardiovascular disorders in the literature. This variant has not been identified in the general population by the Genome Aggregation Database (gnomAD). The available evidence is insufficient to determine the role of this variant in disease conclusively. Therefore, this variant is classified as a Variant of Uncertain Significance.

AiLife Diagnostics
Classification: Uncertain significance. Last evaluated: 2022-02-23. Review status: criteria provided, single submitter. Criteria: ACMG Guidelines, 2015. Collection method: clinical testing. Allele origin: germline. Affected: yes. Observed: 1 variant allele.

NM_001943.5(DSG2):c.-3G>A

Genes: DSG2 (desmoglein 2; plus strand), LOC130062340 (ATAC-STARR-seq lymphoblastoid silent region 9384; plus strand). Cytogenetic location: 18q12.1.
Variant type: single nucleotide variant.
Coding change: c.-3G>A on transcript NM_001943.5 (MANE Select); 3 bases upstream of the start codon, G replaced by A.
Molecular consequence: 5 prime UTR variant.
Genome position (GRCh38, 1-based): chr18:31,498,249, G>A. VCF-style: chr18-31498249-G-A. GRCh37 (hg19) VCF-style: chr18-29078212-G-A.
Other names: c.-3G>A (NM_001943.3).
Identifiers: ClinVar variation 926635 (VCV000926635.6), dbSNP rs896428658, ClinGen allele CA297713098.